The following is an entry in ClinVar:

ClinVar aggregate classification (germline): Uncertain significance (1 of 4 stars; one submission).

Allele frequency attached by ClinVar (database versions not stated): gnomAD exomes below 0.00001; ExAC 0.00001; TOPMed 0.00003; 1000 Genomes Project 30x 0.00016; 1000 Genomes Project 0.00020; gnomAD 0.00002.
gnomAD v4.1: 6 of 1,613,198 alleles (0.00037%); highest among the groups gnomAD compares: Admixed American, 0.0084%; no homozygotes.

Submission:

Labcorp Genetics (formerly Invitae), Labcorp
Classification: Uncertain significance. Last evaluated: 2025-10-31. Review status: criteria provided, single submitter. Criteria: Invitae Variant Classification Sherloc (09022015). Collection method: clinical testing. Allele origin: germline.
Comment: This sequence change replaces threonine, which is neutral and polar, with isoleucine, which is neutral and non-polar, at codon 126 of the LYN protein (p.Thr126Ile). This variant is present in population databases (rs576253860, gnomAD 0.003%). This variant has not been reported in the literature in individuals affected with LYN-related conditions. ClinVar contains an entry for this variant (Variation ID: 2902960). An algorithm developed to predict the effect of missense changes on protein structure and function (PolyPhen-2) suggests that this variant is likely to be disruptive. In summary, the available evidence is currently insufficient to determine the role of this variant in disease. Therefore, it has been classified as a Variant of Uncertain Significance.

NM_002350.4(LYN):c.377C>T (p.Thr126Ile)

Gene: LYN (LYN proto-oncogene, Src family tyrosine kinase; plus strand). Cytogenetic location: 8q12.1.
Variant type: single nucleotide variant.
Coding change: c.377C>T on transcript NM_002350.4 (MANE Select); coding-DNA position 377, C replaced by T.
Protein change: p.Thr126Ile; replaces threonine 126 with isoleucine.
Molecular consequence: missense variant.
Genome position (GRCh38, 1-based): chr8:55,950,551, C>T. VCF-style: chr8-55950551-C-T. GRCh37 (hg19) VCF-style: chr8-56863110-C-T.
Other names: c.314C>T, p.Thr105Ile (NM_001111097.3); short protein forms T126I, T105I.
Identifiers: ClinVar variation 2902960 (VCV002902960.3), dbSNP rs576253860, ClinGen allele CA4753997.
Genomic context (GRCh38, chr8:55,950,551, plus strand): 5'-TAACAAAAAAAGAAGGCTTCATCCCCAGCAACTATGTGGCCAAACTCAACACCTTAGAAA[C>T]AGAAGAGTGAGTCCTCATGTGTTGTCATCTTGGTGGCTTTATTTGCCACATTGGATTTCT-3'
Protein context (NP_002341.1, residues 116-136): NYVAKLNTLE[Thr126Ile]EEWFFKDITR